The following is an entry in ClinVar:

NM_002907.4(RECQL):c.1020del (p.His340fs)

Gene: RECQL (RecQ like helicase; minus strand). Cytogenetic location: 12p12.1.
Variant type: Deletion.
Coding change: c.1020del on transcript NM_002907.4 (MANE Select); coding-DNA position 1020, one base deleted (T; older notation c.1020delT).
Protein change: p.His340fs; shifts the reading frame from histidine 340.
Molecular consequence: frameshift variant.
Genome position (GRCh38, 1-based): chr12:21,475,754, A deleted on the plus strand (T on the coding strand, the reverse complement: RECQL is on the minus strand). VCF-style (leftmost placement, unchanged base first): chr12-21475753-CA-C. GRCh37 (hg19) VCF-style: chr12-21628687-CA-C.
Other names: c.1020del, p.His340fs (NM_032941.3); short protein forms H340fs.
Identifiers: ClinVar variation 3431773 (VCV003431773.1).

ClinVar aggregate classification (germline): Uncertain significance (1 of 4 stars; one submission).

Submission:

Ambry Genetics
Classification: Uncertain significance. Last evaluated: 2024-10-30. Review status: criteria provided, single submitter. Criteria: Ambry Variant Classification Scheme 2023. Collection method: clinical testing. Allele origin: germline.
Comment: The c.1020delT variant, located in coding exon 8 of the RECQL gene, results from a deletion of one nucleotide at nucleotide position 1020, causing a translational frameshift with a predicted alternate stop codon (p.H340Qfs*28). This alteration is expected to result in loss of function by premature protein truncation or nonsense-mediated mRNA decay. The evidence for this gene-disease relationship is limited; therefore, the clinical significance of this alteration is unclear.